The following is an entry in ClinVar:

ClinVar aggregate classification (germline): Uncertain significance. Review status: criteria provided, multiple submitters, no conflicts (2 of 4 stars). 5 submissions from 5 submitters: Uncertain significance (5). Last evaluated 2025-12-03.

Conditions:
Cardiac arrhythmia, ankyrin-B-related. Also called: ANKYRIN-B SYNDROME. Identifiers: Orphanet 101016, Orphanet 768, MedGen C1970119, MONDO:0010958, OMIM 600919.
Cardiovascular phenotype. Identifiers: MedGen CN230736.
Long QT syndrome (LQTS). Identifiers: MedGen C0023976, MeSH D008133, MONDO:0002442. Disease mechanism: loss of function. Inheritance: Various modes of inheritance.

Allele frequency attached by ClinVar (database versions not stated): gnomAD exomes below 0.00001 and 0.00002; ExAC 0.00001; gnomAD 0.00002; TOPMed 0.00006.
gnomAD v4.1: 9 of 1,613,946 alleles (0.00056%); highest among the groups gnomAD compares: African/African-American, 0.0067%; no homozygotes.

Submissions (5):

Labcorp Genetics (formerly Invitae), Labcorp
Classification: Uncertain significance for Long QT syndrome. Last evaluated: 2025-12-03. Review status: criteria provided, single submitter. Criteria: Invitae Variant Classification Sherloc (09022015). Collection method: clinical testing. Allele origin: germline.
Comment: This sequence change replaces serine, which is neutral and polar, with asparagine, which is neutral and polar, at codon 2415 of the ANK2 protein (p.Ser2415Asn). This variant is present in population databases (rs749832637, gnomAD 0.02%). This variant has not been reported in the literature in individuals affected with ANK2-related conditions. ClinVar contains an entry for this variant (Variation ID: 432857). An algorithm developed to predict the effect of missense changes on protein structure and function outputs the following: PolyPhen-2: "Benign". The asparagine amino acid residue is found in multiple mammalian species, which suggests that this missense change does not adversely affect protein function. In summary, the available evidence is currently insufficient to determine the role of this variant in disease. Therefore, it has been classified as a Variant of Uncertain Significance.

Ambry Genetics
Classification: Uncertain significance for Cardiovascular phenotype. Last evaluated: 2025-05-06. Review status: criteria provided, single submitter. Criteria: Ambry Variant Classification Scheme 2023. Collection method: clinical testing. Allele origin: germline.

GeneDx
Classification: Uncertain significance. Last evaluated: 2025-03-24. Review status: criteria provided, single submitter. Criteria: GeneDx Variant Classification Process June 2021. Collection method: clinical testing. Allele origin: germline. Affected: yes.
Comment: Not observed at significant frequency in large population cohorts (gnomAD); In silico analysis indicates that this missense variant does not alter protein structure/function; Has not been previously published as pathogenic or benign to our knowledge; Located in exon 38, which is reported as being expressed in a brain-specific transcript (PMID: 1830053, 18790697, 26109584); This variant is associated with the following publications: (PMID: 1830053, 18790697, 26109584)

Fulgent Genetics
Classification: Uncertain significance for Cardiac arrhythmia, ankyrin-B-related. Last evaluated: 2021-07-13. Review status: criteria provided, single submitter. Criteria: ACMG Guidelines, 2015. Collection method: clinical testing. Allele origin: unknown.

Illumina Laboratory Services, Illumina
Classification: Uncertain significance for Cardiac arrhythmia, ankyrin-B-related. Last evaluated: 2018-01-13. Review status: criteria provided, single submitter. Criteria: ICSL Variant Classification Criteria 13 December 2019. Collection method: clinical testing. Allele origin: germline.

NM_001148.6(ANK2):c.7244G>A (p.Ser2415Asn)

Genes: ANK2 (ankyrin 2; plus strand), LOC126807137 (CDK7 strongly-dependent group 2 enhancer GRCh37_chr4:114276560-114277759; plus strand). Cytogenetic location: 4q26.
Variant type: single nucleotide variant.
Coding change: c.7244G>A on transcript NM_001148.6 (MANE Select); coding-DNA position 7244, G replaced by A.
Protein change: p.Ser2415Asn; replaces serine 2415 with asparagine.
Molecular consequence: missense variant. On other transcripts: intron variant (68).
Genome position (GRCh38, 1-based): chr4:113,355,862, G>A. VCF-style: chr4-113355862-G-A. GRCh37 (hg19) VCF-style: chr4-114277018-G-A.
Other names: c.7010G>A, p.Ser2337Asn (NM_001386142.1); c.3644G>A, p.Ser1215Asn (NM_001386166.1); c.7385G>A, p.Ser2462Asn (NM_001386174.1); c.7361G>A, p.Ser2454Asn (NM_001386175.1); c.4412-4961G>A (NM_001386186.2, NM_001386148.2); c.4214-4961G>A (NM_001354269.3); c.4292-4961G>A (NM_001386187.2); c.4253-4961G>A (NM_001386147.1); and 35 more; short protein forms S2415N, S1215N, S2337N, S2454N, S2462N.
Identifiers: ClinVar variation 432857 (VCV000432857.15), dbSNP rs749832637, ClinGen allele CA3051559.